The following is an entry in ClinVar:

ClinVar aggregate classification (germline): Uncertain significance (1 of 4 stars; one submission).

Conditions:
Primary ciliary dyskinesia. Also called: Ciliary dyskinesia. Identifiers: Orphanet 244, MedGen C0008780, MONDO:0016575, HP:0012265.

Allele frequency attached by ClinVar (database versions not stated): gnomAD 0.00001; ExAC 0.00002; gnomAD exomes 0.00004; ESP Exome Variant Server 0.00008.
gnomAD v4.1: 58 of 1,614,012 alleles (0.0036%); highest among the groups gnomAD compares: Non-Finnish European, 0.0046%; no homozygotes.

Submission:

Ambry Genetics
Classification: Uncertain significance for Primary ciliary dyskinesia. Last evaluated: 2021-03-10. Review status: criteria provided, single submitter. Criteria: Ambry Variant Classification Scheme 2023. Collection method: clinical testing. Allele origin: germline.
Comment: The p.Y600C variant (also known as c.1799A>G), located in coding exon 12 of the ARMC4 gene, results from an A to G substitution at nucleotide position 1799. The tyrosine at codon 600 is replaced by cysteine, an amino acid with highly dissimilar properties. This amino acid position is not well conserved in available vertebrate species. In addition, this alteration is predicted to be tolerated by in silico analysis. Since supporting evidence is limited at this time, the clinical significance of this alteration remains unclear.

NM_018076.5(ODAD2):c.1799A>G (p.Tyr600Cys)

Gene: ODAD2 (outer dynein arm docking complex subunit 2; minus strand). Cytogenetic location: 10p12.1.
Variant type: single nucleotide variant.
Coding change: c.1799A>G on transcript NM_018076.5 (MANE Select); coding-DNA position 1799, A replaced by G.
Protein change: p.Tyr600Cys; replaces tyrosine 600 with cysteine.
Molecular consequence: missense variant.
Genome position (GRCh38, 1-based): chr10:27,940,750, T>C on the plus strand (A>G on the coding strand, the complement: ODAD2 is on the minus strand). VCF-style: chr10-27940750-T-C. GRCh37 (hg19) VCF-style: chr10-28229679-T-C.
Other names: c.1799A>G, p.Tyr600Cys (NM_001290020.2); c.374A>G, p.Tyr125Cys (NM_001290021.2); c.875A>G, p.Tyr292Cys (NM_001312689.2); short protein forms Y125C, Y292C, Y600C.
Identifiers: ClinVar variation 1799738 (VCV001799738.2), dbSNP rs369955640, ClinGen allele CA5453390.